The following is an entry in ClinVar:

ClinVar aggregate classification (germline): Uncertain significance (1 of 4 stars; one submission).

Conditions:
Cardiovascular phenotype. Identifiers: MedGen CN230736.

Submission:

Ambry Genetics
Classification: Uncertain significance for Cardiovascular phenotype. Last evaluated: 2025-02-09. Review status: criteria provided, single submitter. Criteria: Ambry Variant Classification Scheme 2023. Collection method: clinical testing. Allele origin: germline.
Comment: The p.R215P variant (also known as c.644G>C), located in coding exon 5 of the SOS2 gene, results from a G to C substitution at nucleotide position 644. The arginine at codon 215 is replaced by proline, an amino acid with dissimilar properties. This amino acid position is conserved. In addition, this alteration is predicted to be deleterious by in silico analysis. Based on the available evidence, the clinical significance of this variant remains unclear.

NM_006939.4(SOS2):c.644G>C (p.Arg215Pro)

Gene: SOS2 (SOS Ras/Rho guanine nucleotide exchange factor 2; minus strand). Cytogenetic location: 14q21.3.
Variant type: single nucleotide variant.
Coding change: c.644G>C on transcript NM_006939.4 (MANE Select); coding-DNA position 644, G replaced by C.
Protein change: p.Arg215Pro; replaces arginine 215 with proline.
Molecular consequence: missense variant.
Genome position (GRCh38, 1-based): chr14:50,188,567, C>G on the plus strand (G>C on the coding strand, the complement: SOS2 is on the minus strand). VCF-style: chr14-50188567-C-G. GRCh37 (hg19) VCF-style: chr14-50655285-C-G.
Other names: c.644G>C, p.Arg215Pro (NM_001411020.1); short protein forms R215P.
Identifiers: ClinVar variation 3799922 (VCV003799922.1).